The following is an entry in ClinVar:

ClinVar aggregate classification (germline): Likely benign. Review status: criteria provided, multiple submitters, no conflicts (2 of 4 stars). 3 submissions from 3 submitters: Likely benign (3). Last evaluated 2025-12-14.

Conditions:
Dilated cardiomyopathy 1G (CMD1G). Identifiers: Orphanet 154, MedGen C1858763, MONDO:0011400, OMIM 604145.
Autosomal recessive limb-girdle muscular dystrophy type 2J (LGMDR10). Also called: Limb-girdle muscular dystrophy, type 2J; MUSCULAR DYSTROPHY, LIMB-GIRDLE, AUTOSOMAL RECESSIVE 10. Identifiers: Orphanet 140922, MedGen C1837342, MONDO:0012127, OMIM 608807.

Allele frequency attached by ClinVar (database versions not stated): gnomAD exomes 0.00001; ExAC 0.00002; gnomAD 0.00011 and 0.00013; TOPMed 0.00020; 1000 Genomes Project 0.00040; 1000 Genomes Project 30x 0.00047.
gnomAD v4.1: 29 of 1,607,862 alleles (0.0018%); highest among the groups gnomAD compares: Admixed American, 0.036%; no homozygotes.

Submissions (3):

Labcorp Genetics (formerly Invitae), Labcorp
Classification: Likely benign for Dilated cardiomyopathy 1G; Autosomal recessive limb-girdle muscular dystrophy type 2J. Last evaluated: 2025-12-14. Review status: criteria provided, single submitter. Criteria: Invitae Variant Classification Sherloc (09022015). Collection method: clinical testing. Allele origin: germline.

Women's Health and Genetics/Laboratory Corporation of America, LabCorp
Classification: Likely benign. Last evaluated: 2025-01-09. Review status: criteria provided, single submitter. Criteria: LabCorp Variant Classification Summary - May 2015. Collection method: clinical testing. Allele origin: germline.
Comment: Variant summary: TTN c.37913-13C>T alters a non-conserved nucleotide located at a position not widely known to affect splicing. Consensus agreement among computation tools (TrAP) predict no significant impact on normal splicing. However, these predictions have yet to be confirmed by functional studies. The variant allele was found at a frequency of 1.2e-05 in 243134 control chromosomes. The available data on variant occurrences in the general population are insufficient to allow any conclusion about variant significance. To our knowledge, no occurrence of c.37913-13C>T in individuals affected with TTN-related conditions and no experimental evidence demonstrating its impact on protein function have been reported. ClinVar contains an entry for this variant (Variation ID: 929008). Based on the evidence outlined above, the variant was classified as likely benign.

GeneDx
Classification: Likely benign. Last evaluated: 2020-02-26. Review status: criteria provided, single submitter. Criteria: GeneDx Variant Classification Process June 2021. Collection method: clinical testing. Allele origin: germline. Affected: yes.

NM_001267550.2(TTN):c.45617-13C>T

Gene: TTN (titin; minus strand). Cytogenetic location: 2q31.2.
Variant type: single nucleotide variant.
Coding change: c.45617-13C>T on transcript NM_001267550.2 (MANE Select); 13 bases into the intron before coding-DNA position 45617, C replaced by T.
Molecular consequence: intron variant.
Genome position (GRCh38, 1-based): chr2:178,621,006, G>A on the plus strand (C>T on the coding strand, the complement: TTN is on the minus strand). VCF-style: chr2-178621006-G-A. GRCh37 (hg19) VCF-style: chr2-179485733-G-A.
Other names: c.18422-13C>T (NM_003319.4); c.18998-13C>T (NM_133437.4); c.18797-13C>T (NM_133432.3); c.37913-13C>T (NM_133378.4); c.40694-13C>T (NM_001256850.1).
Identifiers: ClinVar variation 929008 (VCV000929008.14), dbSNP rs570853409, ClinGen allele CA1995393.
Genomic context (GRCh38, chr2:178,621,006, plus strand): 5'-GTTCCTTCACCCGGGTGTCCTTAAGAGGAACTACGATCCTGAGTTTTTCTGAAAGCAACC[G>A]ACAAGACTTTATAGTATGAATAATGATCAAAGTGGTAAATACAAATACAAAACAAACAAA-3'